The following is an entry in ClinVar:

NM_001206927.2(DNAH8):c.4300T>C (p.Leu1434=)

Gene: DNAH8 (dynein axonemal heavy chain 8; plus strand). Cytogenetic location: 6p21.2.
Variant type: single nucleotide variant.
Coding change: c.4300T>C on transcript NM_001206927.2 (MANE Select); coding-DNA position 4300, T replaced by C.
Protein change: p.Leu1434=; no amino-acid change (leucine 1434 retained).
Molecular consequence: synonymous variant.
Genome position (GRCh38, 1-based): chr6:38,832,433, T>C. VCF-style: chr6-38832433-T-C. GRCh37 (hg19) VCF-style: chr6-38800209-T-C.
Other names: p.Leu1434=; c.3649T>C, p.Leu1217= (NM_001371.4).
Identifiers: ClinVar variation 402764 (VCV000402764.16), dbSNP rs1678729, ClinGen allele CA3789084.

ClinVar aggregate classification (germline): Benign. Review status: criteria provided, multiple submitters, no conflicts (2 of 4 stars). 5 submissions from 5 submitters: Benign (5). Last evaluated 2026-02-04.

Conditions:
Primary ciliary dyskinesia. Also called: Ciliary dyskinesia. Identifiers: Orphanet 244, MedGen C0008780, MONDO:0016575, HP:0012265.

Allele frequency attached by ClinVar (database versions not stated): gnomAD exomes 0.18030; ExAC 0.19030; gnomAD 0.21172 and 0.21311; ESP Exome Variant Server 0.21444; TOPMed 0.22516; 1000 Genomes Project 0.27256; 1000 Genomes Project 30x 0.27358.
gnomAD v4.1: 245,063 of 1,558,752 alleles (16%); highest among the groups gnomAD compares: African/African-American, 37%; 22,506 homozygotes.

Submissions (5):

Labcorp Genetics (formerly Invitae), Labcorp
Classification: Benign for Primary ciliary dyskinesia. Last evaluated: 2026-02-04. Review status: criteria provided, single submitter. Criteria: Invitae Variant Classification Sherloc (09022015). Collection method: clinical testing. Allele origin: germline.

Blueprint Genetics
Classification: Benign. Last evaluated: 2024-11-27. Review status: criteria provided, single submitter. Criteria: ACMG Guidelines, 2015. Collection method: clinical testing. Allele origin: germline.

Mayo Clinic Laboratories, Mayo Clinic
Classification: Benign. Last evaluated: 2022-04-26. Review status: criteria provided, single submitter. Criteria: ACMG Guidelines, 2015. Collection method: clinical testing. Allele origin: germline. Observed: 63 variant alleles.

GeneDx
Classification: Benign. Last evaluated: 2018-11-10. Review status: criteria provided, single submitter. Criteria: GeneDx Variant Classification Process June 2021. Collection method: clinical testing. Allele origin: germline. Affected: yes.

Laboratory for Molecular Medicine, Mass General Brigham Personalized Medicine
Classification: Benign. Last evaluated: 2016-03-28. Review status: criteria provided, single submitter. Criteria: LMM Criteria. Collection method: clinical testing. Allele origin: germline.
Comment: Variant identified in a genome or exome case(s) and assessed due to predicted null impact of the variant or pathogenic assertions in the literature or databases. Disclaimer: This variant has not undergone full assessment. The following are preliminary notes: Frequency